The following is an entry in ClinVar:

NM_001458.5(FLNC):c.4015C>T (p.Pro1339Ser)

Gene: FLNC (filamin C; plus strand). Cytogenetic location: 7q32.1.
Variant type: single nucleotide variant.
Coding change: c.4015C>T on transcript NM_001458.5 (MANE Select); coding-DNA position 4015, C replaced by T.
Protein change: p.Pro1339Ser; replaces proline 1339 with serine.
Molecular consequence: missense variant.
Genome position (GRCh38, 1-based): chr7:128,846,351, C>T. VCF-style: chr7-128846351-C-T. GRCh37 (hg19) VCF-style: chr7-128486405-C-T.
Other names: c.4015C>T, p.Pro1339Ser (NM_001127487.2); short protein forms P1339S.
Identifiers: ClinVar variation 4025604 (VCV004025604.1).

ClinVar aggregate classification (germline): Uncertain significance (1 of 4 stars; one submission).

Conditions:
Cardiovascular phenotype. Identifiers: MedGen CN230736.

gnomAD v4.1: 1 of 1,613,642 alleles (0.000062%); highest among the groups gnomAD compares: South Asian, 0.0011%; no homozygotes.

Submission:

Ambry Genetics
Classification: Uncertain significance for Cardiovascular phenotype. Last evaluated: 2025-04-02. Review status: criteria provided, single submitter. Criteria: Ambry Variant Classification Scheme 2023. Collection method: clinical testing. Allele origin: germline.
Comment: The p.P1339S variant (also known as c.4015C>T), located in coding exon 23 of the FLNC gene, results from a C to T substitution at nucleotide position 4015. The proline at codon 1339 is replaced by serine, an amino acid with similar properties. This amino acid position is conserved. In addition, this alteration is predicted to be deleterious by in silico analysis. Based on the available evidence, the clinical significance of this variant remains unclear.